The following is an entry in ClinVar:

NM_006231.4(POLE):c.3727C>T (p.Gln1243Ter)

Gene: POLE (DNA polymerase epsilon, catalytic subunit; minus strand). Cytogenetic location: 12q24.33.
Variant type: single nucleotide variant.
Coding change: c.3727C>T on transcript NM_006231.4 (MANE Select); coding-DNA position 3727, C replaced by T.
Protein change: p.Gln1243Ter; replaces glutamine 1243 with a stop codon.
Molecular consequence: nonsense.
Genome position (GRCh38, 1-based): chr12:132,649,745, G>A on the plus strand (C>T on the coding strand, the complement: POLE is on the minus strand). VCF-style: chr12-132649745-G-A. GRCh37 (hg19) VCF-style: chr12-133226331-G-A.
Other names: short protein forms Q1243*.
Identifiers: ClinVar variation 540742 (VCV000540742.14), dbSNP rs949436167, ClinGen allele CA246310480.

ClinVar aggregate classification (germline): Conflicting classifications of pathogenicity. Review status: criteria provided, conflicting classifications (1 of 4 stars). 2 submissions from 2 submitters: Pathogenic (1); Uncertain significance (1). Last evaluated 2026-01-16.

Conditions:
Hereditary cancer-predisposing syndrome. Also called: Tumor predisposition; Hereditary Cancer Syndrome; Neoplastic Syndromes, Hereditary; Hereditary neoplastic syndrome. Identifiers: Orphanet 140162, MedGen C0027672, MeSH D009386, MONDO:0015356.

Allele frequency attached by ClinVar (database versions not stated): gnomAD exomes below 0.00001; TOPMed below 0.00001; gnomAD 0.00001.
gnomAD v4.1: 2 of 1,614,054 alleles (0.00012%); highest among the groups gnomAD compares: Non-Finnish European, 0.00017%; no homozygotes.

Submissions (2):

Ambry Genetics
Classification: Uncertain significance for Hereditary cancer-predisposing syndrome. Last evaluated: 2026-01-16. Review status: criteria provided, single submitter. Criteria: Ambry Variant Classification Scheme 2023. Collection method: clinical testing. Allele origin: germline.
Comment: The p.Q1243* variant (also known as c.3727C>T), located in coding exon 30 of the POLE gene, results from a C to T substitution at nucleotide position 3727. This changes the amino acid from a glutamine to a stop codon within coding exon 30. This alteration is expected to result in loss of function by premature protein truncation or nonsense-mediated mRNA decay. Although biallelic loss of function of POLE has been associated with autosomal recessive POLE deficiency, haploinsufficiency of POLE has not been established as a mechanism of disease for POLE-related polymerase proofreading-associated polyposis (PPAP) and POLE-related CMMRD-like syndrome. Based on the supporting evidence, this variant is expected to be causative of POLE deficiency when present along with a second pathogenic variant on the other allele; however, its clinical significance for PPAP and POLE-related CMMRD-like syndrome is unclear.

Labcorp Genetics (formerly Invitae), Labcorp
Classification: Pathogenic. Last evaluated: 2025-06-22. Review status: criteria provided, single submitter. Criteria: Invitae Variant Classification Sherloc (09022015). Collection method: clinical testing. Allele origin: germline.
Comment: This sequence change creates a premature translational stop signal (p.Gln1243*) in the POLE gene. It is expected to result in an absent or disrupted protein product. Loss-of-function variants in POLE are known to be pathogenic (PMID: 23230001, 25948378, 30503519). This variant is not present in population databases (gnomAD no frequency). This variant has not been reported in the literature in individuals affected with POLE-related conditions. ClinVar contains an entry for this variant (Variation ID: 540742). For these reasons, this variant has been classified as Pathogenic.

Literature cited by the submitters: PubMed 23230001 (cited by Labcorp Genetics (formerly Invitae), Labcorp); PubMed 25948378 (cited by Labcorp Genetics (formerly Invitae), Labcorp); PubMed 30503519 (cited by Labcorp Genetics (formerly Invitae), Labcorp).